The following is an entry in ClinVar:

NM_025074.7(FRAS1):c.8065G>A (p.Ala2689Thr)

Gene: FRAS1 (Fraser extracellular matrix complex subunit 1; plus strand). Cytogenetic location: 4q21.21.
Variant type: single nucleotide variant.
Coding change: c.8065G>A on transcript NM_025074.7 (MANE Select); coding-DNA position 8065, G replaced by A.
Protein change: p.Ala2689Thr; replaces alanine 2689 with threonine.
Molecular consequence: missense variant.
Genome position (GRCh38, 1-based): chr4:78,478,028, G>A. VCF-style: chr4-78478028-G-A. GRCh37 (hg19) VCF-style: chr4-79399182-G-A.
Other names: c.8065G>A (NM_025074.6); short protein forms A2689T.
Identifiers: ClinVar variation 2070278 (VCV002070278.4), dbSNP rs532187160, ClinGen allele CA2978276.

ClinVar aggregate classification (germline): Uncertain significance. Review status: criteria provided, multiple submitters, no conflicts (2 of 4 stars). 3 submissions from 3 submitters: Uncertain significance (3). Last evaluated 2024-05-09.

Conditions:
Inborn genetic diseases. Identifiers: MedGen C0950123, MeSH D030342.
Fraser syndrome 1 (FRASRS1). Also called: CRYPTOPHTHALMOS WITH OTHER MALFORMATIONS. Identifiers: Orphanet 2052, MedGen C4551480, MONDO:0054737, OMIM 219000.

Allele frequency attached by ClinVar (database versions not stated): ExAC 0.00006.
gnomAD v4.1: 51 of 1,587,634 alleles (0.0032%); highest among the groups gnomAD compares: African/African-American, 0.0067%; no homozygotes.

Submissions (3):

Fulgent Genetics
Classification: Uncertain significance for Fraser syndrome 1. Last evaluated: 2024-05-09. Review status: criteria provided, single submitter. Criteria: ACMG Guidelines, 2015. Collection method: clinical testing. Allele origin: germline.

Labcorp Genetics (formerly Invitae), Labcorp
Classification: Uncertain significance. Last evaluated: 2024-03-18. Review status: criteria provided, single submitter. Criteria: Invitae Variant Classification Sherloc (09022015). Collection method: clinical testing. Allele origin: germline.
Comment: This sequence change replaces alanine, which is neutral and non-polar, with threonine, which is neutral and polar, at codon 2689 of the FRAS1 protein (p.Ala2689Thr). This variant is present in population databases (rs532187160, gnomAD 0.007%). This variant has not been reported in the literature in individuals affected with FRAS1-related conditions. ClinVar contains an entry for this variant (Variation ID: 2070278). Advanced modeling of protein sequence and biophysical properties (such as structural, functional, and spatial information, amino acid conservation, physicochemical variation, residue mobility, and thermodynamic stability) performed at Invitae indicates that this missense variant is not expected to disrupt FRAS1 protein function with a negative predictive value of 80%. In summary, the available evidence is currently insufficient to determine the role of this variant in disease. Therefore, it has been classified as a Variant of Uncertain Significance.

Ambry Genetics
Classification: Uncertain significance for Inborn genetic diseases. Last evaluated: 2024-01-02. Review status: criteria provided, single submitter. Criteria: Ambry Variant Classification Scheme 2023. Collection method: clinical testing. Allele origin: germline.